The following is an entry in ClinVar:

ClinVar aggregate classification (germline): Conflicting classifications of pathogenicity. Review status: criteria provided, conflicting classifications (1 of 4 stars). 9 submissions from 9 submitters: Uncertain significance (2); Benign (2); Likely benign (3). 2 of the submissions do not count toward it. Last evaluated 2026-09-18.

Conditions:
PYGM-related disorder. Also called: PYGM-related condition.
Glycogen storage disease, type V (GSD5). Also called: MUSCLE GLYCOGEN PHOSPHORYLASE DEFICIENCY; MYOPHOSPHORYLASE DEFICIENCY; PYGM DEFICIENCY; McArdle type glycogen storage disease; MCARDLE DISEASE. Identifiers: Orphanet 368, MedGen C0017924, MONDO:0009293, OMIM 232600.
Tip-toe gait. Also called: Toe walking. Identifiers: MedGen C0427144, HP:0030051.

Allele frequency attached by ClinVar (database versions not stated): 1000 Genomes Project 0.00020; ExAC 0.00071; 1000 Genomes Project 30x 0.00016; gnomAD 0.00063 and 0.00065; TOPMed 0.00066; ESP Exome Variant Server 0.00069; gnomAD exomes 0.00092.

Submissions (9):

PreventionGenetics, part of Exact Sciences
Classification: Likely benign for PYGM-related condition. Last evaluated: 2026-09-18. Review status: criteria provided, single submitter. Criteria: ACMG Guidelines, 2015. Collection method: clinical testing. Allele origin: germline.
Comment: This variant is classified as likely benign based on ACMG/AMP sequence variant interpretation guidelines (Richards et al. 2015 PMID: 25741868, with internal and published modifications).

Labcorp Genetics (formerly Invitae), Labcorp
Classification: Benign for Glycogen storage disease, type V. Last evaluated: 2026-01-29. Review status: criteria provided, single submitter. Criteria: Invitae Variant Classification Sherloc (09022015). Collection method: clinical testing. Allele origin: germline.

Department of Pathology and Laboratory Medicine, Sinai Health System
Classification: Likely benign for Glycogen storage disease, type V. Last evaluated: 2021-07-30. Review status: criteria provided, single submitter. Criteria: ACMG Guidelines, 2015. Collection method: research. Allele origin: germline.

GeneDx
Classification: Likely benign. Last evaluated: 2021-01-15. Review status: criteria provided, single submitter. Criteria: GeneDx Variant Classification Process June 2021. Collection method: clinical testing. Allele origin: germline. Affected: yes.
Comment: The majority of missense variants in this gene are considered pathogenic (Stenson et al., 2014); In silico analysis, which includes protein predictors and evolutionary conservation, supports that this variant does not alter protein structure/function; This variant is associated with the following publications: (PMID: 25914343)

Fulgent Genetics
Classification: Uncertain significance for Glycogen storage disease, type V. Last evaluated: 2018-10-31. Review status: criteria provided, single submitter. Criteria: ACMG Guidelines, 2015. Collection method: clinical testing. Allele origin: unknown.

Illumina Laboratory Services, Illumina
Classification: Benign for Glycogen storage disease, type V. Last evaluated: 2017-07-16. Review status: criteria provided, single submitter. Criteria: ICSL Variant Classification Criteria 13 December 2019. Collection method: clinical testing. Allele origin: germline.
Comment: This variant was observed as part of a predisposition screen in an ostensibly healthy population. A literature search was performed for the gene, cDNA change, and amino acid change (where applicable). Publications were found based on this search. The evidence from the literature, in combination with allele frequency data from public databases where available, was sufficient to rule this variant out of causing disease. Therefore, this variant is classified as benign.

Eurofins Ntd Llc (ga)
Classification: Uncertain significance. Last evaluated: 2013-03-11. Review status: criteria provided, single submitter. Criteria: EGL Classification Definitions 2015. Collection method: clinical testing. Allele origin: germline. Observed: 1 variant allele, 1 heterozygote.

Natera, Inc.
Classification: Benign for Glycogen storage disease V. Last evaluated: 2020-04-14. Review status: no assertion criteria provided. Collection method: clinical testing. Allele origin: germline. Not counted in ClinVar's aggregate classification.

Practice for Gait Abnormalities, David Pomarino, Competency Network Toe Walking C/o Practice Pomarino
Classification: Likely pathogenic for Tip-toe gait. Review status: no assertion criteria provided. Collection method: clinical testing. Allele origin: germline. Affected: yes. Not counted in ClinVar's aggregate classification.
Comment: Toe Walking has various causes, ranging from idiopathic or habitual reasons to an underlying neuromuscular disease. The most observed form of toe walking is idiopathic toe walking (ITW) - a diagnosis of exclusion. ITW occurs in about 5% of children after their second birthday and is a common problem in pediatric orthopedics. In about 70% of these cases, there is spontaneous remission within six months of the onset of ITW. If the toe walk persists, one can assume the presence of a non-idiopathic form of toe walk (n-ITW). In n-ITW, the causes of the abnormal gait are neurological or myogenic. Differential diagnoses such as infantile cerebral palsy, muscular dystrophy, spinal amyotrophy and hereditary motor-sensory neuropathy as well as rare metabolic disorders of the musculature must be considered (Pomarino et al., 2018). In our clinical ITW consultation, we screen children with n-ITW for a genetic form of tiptoe gait using next generation sequencing for gene variants in 49 genes. These are genes in which gene variants can lead to neuromuscular diseases in which an association with toe-tapping gait has been reported or can be suspected due to patients’ clinical symptoms. To the best of our knowledge, this is the first study in which several patients with toe walking displayed heterozygosity for pathogenic or likely pathogenic PYGM mutations and mild symptoms of the metabolic muscle disease McArdle. The findings of our research are in line with recently published observations in heterozygous family members patients with McArdle disease. We should mention that some of the patients in our cohort harbored heterozygous variants in other genes of our gene panel. However, the numbers in this study were too small to workout any resulting combined genetic effects. It is concluded that genetic conditions can contribute to the development of toe walking. Apparently, even a slight genetic weakening of the muscles can lead to changes to the gait pattern. Future studies must show how the pathomechanism can be explained for the PYGM variants and whether there are new therapeutic approaches to be developed based on this research.

Literature cited by the submitters: PubMed 25914343 (cited by Illumina Laboratory Services, Illumina); PubMed 29881221 (cited by Practice for Gait Abnormalities, David Pomarino, Competency Network Toe Walking C/o Practice Pomarino); DOI 10.1016/j.rchot.2016.09.001 (cited by Practice for Gait Abnormalities, David Pomarino, Competency Network Toe Walking C/o Practice Pomarino); DOI 10.51793/OS.2022.25.6.010 (cited by Practice for Gait Abnormalities, David Pomarino, Competency Network Toe Walking C/o Practice Pomarino).

NM_005609.4(PYGM):c.1957C>G (p.Leu653Val)

Gene: PYGM (glycogen phosphorylase, muscle associated; minus strand). Cytogenetic location: 11q13.1.
Variant type: single nucleotide variant.
Coding change: c.1957C>G on transcript NM_005609.4 (MANE Select); coding-DNA position 1957, C replaced by G.
Protein change: p.Leu653Val; replaces leucine 653 with valine.
Molecular consequence: missense variant.
Genome position (GRCh38, 1-based): chr11:64,751,337, G>C on the plus strand (C>G on the coding strand, the complement: PYGM is on the minus strand). VCF-style: chr11-64751337-G-C. GRCh37 (hg19) VCF-style: chr11-64518809-G-C.
Other names: c.1693C>G, p.Leu565Val (NM_001164716.1); short protein forms L653V, L565V.
Identifiers: ClinVar variation 95295 (VCV000095295.26), dbSNP rs61736659, ClinGen allele CA222886.